The following is an entry in ClinVar:

NM_000237.3(LPL):c.138del (p.Glu47fs)

Gene: LPL (lipoprotein lipase; plus strand). Cytogenetic location: 8p21.3.
Variant type: Deletion.
Coding change: c.138del on transcript NM_000237.3 (MANE Select); coding-DNA position 138, one base deleted (T; older notation c.138delT).
Protein change: p.Glu47fs; shifts the reading frame from glutamic acid 47.
Molecular consequence: frameshift variant.
Genome position (GRCh38, 1-based): chr8:19,948,229, T deleted. VCF-style (leftmost placement, unchanged base first): chr8-19948228-CT-C. GRCh37 (hg19) VCF-style: chr8-19805739-CT-C.
Other names: c.138delT (NM_000237.2); short protein forms E47fs.
Identifiers: ClinVar variation 1399464 (VCV001399464.7), dbSNP rs2128837004, ClinGen allele CA2573142627.
Genomic context (GRCh38, chr8:19,948,228, plus strand): 5'-TTTCCTTTCCAGAAAGAAGAGATTTTATCGACATCGAAAGTAAATTTGCCCTAAGGACCC[CT>C]GAAGACACAGCTGAGGACACTTGCCACCTCATTCCCGGAGTAGCAGAGTCCGTGGCTACC-3'

ClinVar aggregate classification (germline): Pathogenic. Review status: criteria provided, multiple submitters, no conflicts (2 of 4 stars). 2 submissions from 2 submitters: Pathogenic (2). Last evaluated 2026-08-07.

Conditions:
Cardiovascular phenotype. Identifiers: MedGen CN230736.

Allele frequency attached by ClinVar (database versions not stated): gnomAD exomes 0.00001.

Submissions (2):

Ambry Genetics
Classification: Pathogenic for Cardiovascular phenotype. Last evaluated: 2026-08-07. Review status: criteria provided, single submitter. Criteria: Ambry Variant Classification Scheme 2023. Collection method: clinical testing. Allele origin: germline.
Comment: The c.138delT pathogenic mutation, located in coding exon 2 of the LPL gene, results from a deletion of one nucleotide at nucleotide position 138, causing a translational frameshift with a predicted alternate stop codon (p.E47Kfs*14). This variant is considered to be rare based on population cohorts in the Genome Aggregation Database (gnomAD). This alteration is expected to result in loss of function by premature protein truncation or nonsense-mediated mRNA decay. As such, this alteration is interpreted as a disease-causing mutation.

Labcorp Genetics (formerly Invitae), Labcorp
Classification: Pathogenic. Last evaluated: 2021-06-17. Review status: criteria provided, single submitter. Criteria: Invitae Variant Classification Sherloc (09022015). Collection method: clinical testing. Allele origin: germline.
Comment: For these reasons, this variant has been classified as Pathogenic. This variant has not been reported in the literature in individuals with LPL-related conditions. This variant is not present in population databases (ExAC no frequency). This sequence change creates a premature translational stop signal (p.Glu47Lysfs*14) in the LPL gene. It is expected to result in an absent or disrupted protein product. Loss-of-function variants in LPL are known to be pathogenic (PMID: 11334614).

Literature cited by the submitters: PubMed 11334614 (cited by Labcorp Genetics (formerly Invitae), Labcorp).